The following is an entry in ClinVar:

NM_001614.5(ACTG1):c.319G>A (p.Glu107Lys)

Gene: ACTG1 (actin gamma 1; minus strand). Cytogenetic location: 17q25.3.
Variant type: single nucleotide variant.
Coding change: c.319G>A on transcript NM_001614.5 (MANE Select); coding-DNA position 319, G replaced by A.
Protein change: p.Glu107Lys; replaces glutamic acid 107 with lysine.
Molecular consequence: missense variant. On other transcripts: non-coding transcript variant (1).
Genome position (GRCh38, 1-based): chr17:81,511,947, C>T on the plus strand (G>A on the coding strand, the complement: ACTG1 is on the minus strand). VCF-style: chr17-81511947-C-T. GRCh37 (hg19) VCF-style: chr17-79478973-C-T.
Other names: c.319G>A, p.Glu107Lys (NM_001199954.3); short protein forms E107K.
Identifiers: ClinVar variation 4537272 (VCV004537272.1).

ClinVar aggregate classification (germline): Uncertain significance (1 of 4 stars; one submission).

gnomAD v4.1: 2 of 1,614,054 alleles (0.00012%); highest among the groups gnomAD compares: Non-Finnish European, 0.00017%; no homozygotes.

Submission:

Women's Health and Genetics/Laboratory Corporation of America, LabCorp
Classification: Uncertain significance. Last evaluated: 2025-11-20. Review status: criteria provided, single submitter. Criteria: LabCorp Variant Classification Summary - May 2015. Collection method: clinical testing. Allele origin: germline.
Comment: Variant summary: ACTG1 c.319G>A (p.Glu107Lys) results in a conservative amino acid change in the encoded protein sequence. Algorithms developed to predict the effect of missense changes on protein structure and function are either unavailable or do not agree on the potential impact of this missense change. The variant allele was found at a frequency of 4e-06 in 250582 control chromosomes. The available data on variant occurrences in the general population are insufficient to allow any conclusion about variant significance. To our knowledge, no occurrence of c.319G>A in individuals affected with ACTG1-related conditions and no experimental evidence demonstrating its impact on protein function have been reported. No submitters have cited clinical-significance assessments for this variant to ClinVar. Based on the evidence outlined above, the variant was classified as uncertain significance.